The following is an entry in ClinVar:

NM_001376.5(DYNC1H1):c.12513+3_12513+4dup

Gene: DYNC1H1 (dynein cytoplasmic 1 heavy chain 1; plus strand). Cytogenetic location: 14q32.31.
Variant type: Duplication.
Coding change: c.12513+3_12513+4dup on transcript NM_001376.5 (MANE Select); bases 3 to 4 of the intron after coding-DNA position 12513, 2 bases duplicated (AA; older notation c.12513+3_12513+4dupAA).
Molecular consequence: intron variant.
Genome position (GRCh38, 1-based): chr14:102,042,751-102,042,752, AA duplicated. VCF-style (leftmost placement, unchanged base first): chr14-102042750-T-TAA. GRCh37 (hg19) VCF-style: chr14-102509087-T-TAA.
Identifiers: ClinVar variation 3727659 (VCV003727659.2).

ClinVar aggregate classification (germline): Uncertain significance (1 of 4 stars; one submission).

Conditions:
Charcot-Marie-Tooth disease axonal type 2O. Also called: Charcot-Marie-Tooth disease, axonal, type 20; CHARCOT-MARIE-TOOTH NEUROPATHY, AXONAL, TYPE 2O; CHARCOT-MARIE-TOOTH DISEASE, AXONAL, AUTOSOMAL DOMINANT, TYPE 2O; Charcot-Marie-Tooth Neuropathy Type 2O. Identifiers: Orphanet 284232, MedGen C3280220, MONDO:0013644, OMIM 614228.

Submission:

Labcorp Genetics (formerly Invitae), Labcorp
Classification: Uncertain significance for Charcot-Marie-Tooth disease axonal type 2O. Last evaluated: 2024-12-19. Review status: criteria provided, single submitter. Criteria: Invitae Variant Classification Sherloc (09022015). Collection method: clinical testing. Allele origin: germline.
Comment: This sequence change falls in intron 69 of the DYNC1H1 gene. It does not directly change the encoded amino acid sequence of the DYNC1H1 protein. It affects a nucleotide within the consensus splice site. This variant is not present in population databases (gnomAD no frequency). This variant has not been reported in the literature in individuals affected with DYNC1H1-related conditions. Variants that disrupt the consensus splice site are a relatively common cause of aberrant splicing (PMID: 17576681, 9536098). Algorithms developed to predict the effect of sequence changes on RNA splicing suggest that this variant is not likely to affect RNA splicing. In summary, the available evidence is currently insufficient to determine the role of this variant in disease. Therefore, it has been classified as a Variant of Uncertain Significance.

Literature cited by the submitters: PubMed 17576681; PubMed 9536098.